The following is an entry in ClinVar:

ClinVar aggregate classification (germline): Likely pathogenic (1 of 4 stars; one submission).

Allele frequency attached by ClinVar (database versions not stated): gnomAD 0.00001; gnomAD exomes 0.00001; TOPMed 0.00001.
gnomAD v4.1: 14 of 1,614,070 alleles (0.00087%); highest among the groups gnomAD compares: African/African-American, 0.0013%; no homozygotes.

Submission:

ARUP Laboratories, Molecular Genetics and Genomics, ARUP Laboratories
Classification: Likely pathogenic. Last evaluated: 2023-10-27. Review status: criteria provided, single submitter. Criteria: ARUP Molecular Germline Variant Investigation Process 2024. Collection method: clinical testing. Allele origin: germline.
Comment: The VWF c.115G>A; p.Gly39Arg variant (rs1397778191) is reported in the literature in several individuals with type 1 von Willebrand disease (VWD) and in a compound heterozygous individual with type 3 VWD (Vangenechten 2019, Veyradier 2016, Yin 2015). This variant is only observed on two alleles in the Genome Aggregation Database, indicating it is not a common polymorphism. Computational analyses are uncertain whether this variant is neutral or deleterious (REVEL: 0.675). However, functional studies showed impaired multimerization and increased retention in the endoplasmic reticulum (Yin 2015). Based on available information, this variant is considered to be likely pathogenic. References: Vangenechten I et al. Analysis of von Willebrand Disease in the South Moravian Population (Czech Republic): Results from the BRNO-VWD Study. Thromb Haemost. 2019 Apr;119(4):594-605. PMID: 30722078. Veyradier A et al. A Laboratory Phenotype/Genotype Correlation of 1167 French Patients From 670 Families With von Willebrand Disease: A New Epidemiologic Picture. Medicine (Baltimore). 2016 Mar;95(11):e3038. PMID: 26986123. Yin J et al. Mutations in the D1 domain of von Willebrand factor impair their propeptide-dependent multimerization, intracellular trafficking and secretion. J Hematol Oncol. 2015 Jun 20;8:73. PMID: 26088471.

NM_000552.5(VWF):c.115G>A (p.Gly39Arg)

Gene: VWF (von Willebrand factor; minus strand). Cytogenetic location: 12p13.31.
Variant type: single nucleotide variant.
Coding change: c.115G>A on transcript NM_000552.5 (MANE Select); coding-DNA position 115, G replaced by A.
Protein change: p.Gly39Arg; replaces glycine 39 with arginine.
Molecular consequence: missense variant.
Genome position (GRCh38, 1-based): chr12:6,121,279, C>T on the plus strand (G>A on the coding strand, the complement: VWF is on the minus strand). VCF-style: chr12-6121279-C-T. GRCh37 (hg19) VCF-style: chr12-6230445-C-T.
Other names: short protein forms G39R.
Identifiers: ClinVar variation 2921117 (VCV002921117.1), dbSNP rs1397778191, ClinGen allele CA383508636.